The following is an entry in ClinVar:

NM_001080489.3(GLOD5):c.190A>G (p.Met64Val)

Gene: GLOD5 (glyoxalase domain containing 5; plus strand). Cytogenetic location: Xp11.23.
Variant type: single nucleotide variant.
Coding change: c.190A>G on transcript NM_001080489.3 (MANE Select); coding-DNA position 190, A replaced by G.
Protein change: p.Met64Val; replaces methionine 64 with valine.
Molecular consequence: missense variant.
Genome position (GRCh38, 1-based): chrX:48,765,961, A>G. VCF-style: chrX-48765961-A-G. GRCh37 (hg19) VCF-style: chrX-48624366-A-G.
Other names: short protein forms M64V.
Identifiers: ClinVar variation 2242898 (VCV002242898.26), dbSNP rs781817808, ClinGen allele CA10404433.

ClinVar aggregate classification (germline): Likely benign. Review status: criteria provided, multiple submitters, no conflicts (2 of 4 stars). 2 submissions from 2 submitters: Likely benign (2). Last evaluated 2022-12-01.

Allele frequency attached by ClinVar (database versions not stated): gnomAD 0.00001; TOPMed 0.00002; gnomAD exomes 0.00005; ExAC 0.00010; 1000 Genomes Project 30x 0.00042; 1000 Genomes Project 0.00053.
gnomAD v4.1: 54 of 1,205,515 alleles (0.0045%); highest among the groups gnomAD compares: South Asian, 0.073%; no homozygotes.

Submissions (2):

CeGaT Center for Human Genetics Tuebingen
Classification: Likely benign. Last evaluated: 2022-12-01. Review status: criteria provided, single submitter. Criteria: CeGaT Center For Human Genetics Tuebingen Variant Classification Criteria Version 2. Collection method: clinical testing. Allele origin: germline. Affected: yes. Observed: 1 variant allele.
Comment: GLOD5: BP4, BS2

Ambry Genetics
Classification: Likely benign. Last evaluated: 2021-08-10. Review status: criteria provided, single submitter. Criteria: Ambry Variant Classification Scheme 2023. Collection method: clinical testing. Allele origin: germline.